The following is an entry in ClinVar:

NM_013447.4(ADGRE2):c.199G>A (p.Asp67Asn)

Gene: ADGRE2 (adhesion G protein-coupled receptor E2; minus strand). Cytogenetic location: 19p13.12.
Variant type: single nucleotide variant.
Coding change: c.199G>A on transcript NM_013447.4 (MANE Select); coding-DNA position 199, G replaced by A.
Protein change: p.Asp67Asn; replaces aspartic acid 67 with asparagine.
Molecular consequence: missense variant.
Genome position (GRCh38, 1-based): chr19:14,773,938, C>T on the plus strand (G>A on the coding strand, the complement: ADGRE2 is on the minus strand). VCF-style: chr19-14773938-C-T. GRCh37 (hg19) VCF-style: chr19-14884750-C-T.
Other names: c.199G>A, p.Asp67Asn (NM_001271052.1, NM_152916.2, NM_152917.2); short protein forms D67N.
Identifiers: ClinVar variation 2854068 (VCV002854068.3), dbSNP rs765071211, ClinGen allele CA9258276.

ClinVar aggregate classification (germline): Uncertain significance (1 of 4 stars; one submission).

Allele frequency attached by ClinVar (database versions not stated): ExAC 0.00001; gnomAD 0.00004; gnomAD exomes 0.00003; TOPMed 0.00004.
gnomAD v4.1: 56 of 1,613,858 alleles (0.0035%); highest among the groups gnomAD compares: African/African-American, 0.0093%; no homozygotes.

Submission:

Labcorp Genetics (formerly Invitae), Labcorp
Classification: Uncertain significance. Last evaluated: 2026-01-06. Review status: criteria provided, single submitter. Criteria: Invitae Variant Classification Sherloc (09022015). Collection method: clinical testing. Allele origin: germline.
Comment: This sequence change replaces aspartic acid, which is acidic and polar, with asparagine, which is neutral and polar, at codon 67 of the ADGRE2 protein (p.Asp67Asn). This variant also falls at the last nucleotide of exon 4, which is part of the consensus splice site for this exon. This variant is present in population databases (rs765071211, gnomAD 0.007%). This variant has not been reported in the literature in individuals affected with ADGRE2-related conditions. ClinVar contains an entry for this variant (Variation ID: 2854068). An algorithm developed to predict the effect of missense changes on protein structure and function (PolyPhen-2) suggests that this variant is likely to be disruptive. Variants that disrupt the consensus splice site are a relatively common cause of aberrant splicing (PMID: 17576681, 9536098). Algorithms developed to predict the effect of sequence changes on RNA splicing suggest that this variant may disrupt the consensus splice site. In summary, the available evidence is currently insufficient to determine the role of this variant in disease. Therefore, it has been classified as a Variant of Uncertain Significance.

Literature cited by the submitters: PubMed 17576681; PubMed 9536098.